The following is an entry in ClinVar:

ClinVar aggregate classification (germline): Uncertain significance (1 of 4 stars; one submission).

gnomAD v4.1: 21 of 1,614,050 alleles (0.0013%); highest among the groups gnomAD compares: Non-Finnish European, 0.0018%; no homozygotes.

Submission:

Greenwood Genetic Center Diagnostic Laboratories, Greenwood Genetic Center
Classification: Uncertain significance. Last evaluated: 2024-05-30. Review status: criteria provided, single submitter. Criteria: ACMG Guidelines, 2015. Collection method: clinical testing. Allele origin: germline. Affected: yes.
Comment: PM2, BP4, PP2

NM_001256071.3(RNF213):c.1763G>A (p.Arg588Lys)

Gene: RNF213 (ring finger protein 213; plus strand). Cytogenetic location: 17q25.3.
Variant type: single nucleotide variant.
Coding change: c.1763G>A on transcript NM_001256071.3 (MANE Select); coding-DNA position 1763, G replaced by A.
Protein change: p.Arg588Lys; replaces arginine 588 with lysine.
Molecular consequence: missense variant.
Genome position (GRCh38, 1-based): chr17:80,295,564, G>A. VCF-style: chr17-80295564-G-A. GRCh37 (hg19) VCF-style: chr17-78269364-G-A.
Other names: c.1910G>A, p.Arg637Lys (NM_001410195.1, NM_020914.5); c.1763G>A, p.Arg588Lys (NM_020954.4); short protein forms R588K, R637K.
Identifiers: ClinVar variation 3338532 (VCV003338532.1).